The following is an entry in ClinVar:

NM_000531.6(OTC):c.1025del (p.Leu342fs)

Gene: OTC (ornithine transcarbamylase; plus strand). Cytogenetic location: Xp11.4.
Variant type: Deletion.
Coding change: c.1025del on transcript NM_000531.6 (MANE Select); coding-DNA position 1025, one base deleted (T; older notation c.1025delT).
Protein change: p.Leu342fs; shifts the reading frame from leucine 342.
Molecular consequence: frameshift variant.
Genome position (GRCh38, 1-based): chrX:38,421,042, T deleted. VCF-style (leftmost placement, unchanged base first): chrX-38421041-CT-C. GRCh37 (hg19) VCF-style: chrX-38280294-CT-C.
Other names: c.1025del, p.Leu342fs (NM_001407092.1); short protein forms L342fs.
Identifiers: ClinVar variation 4526910 (VCV004526910.1).

ClinVar aggregate classification (germline): Pathogenic (1 of 4 stars; one submission).

Conditions:
Ornithine carbamoyltransferase deficiency (OTCD). Also called: Ornithine Carbamoyltransferase Deficiency Disease; ORNITHINE TRANSCARBAMYLASE DEFICIENCY; ORNITHINE TRANSCARBAMYLASE DEFICIENCY, HYPERAMMONEMIA DUE TO; OTC DEFICIENCY. Identifiers: Orphanet 664, MedGen C0268542, MONDO:0010703, OMIM 311250.

Submission:

North West Genomic Laboratory Hub, Manchester University NHS Foundation Trust
Classification: Pathogenic for Ornithine carbamoyltransferase deficiency. Last evaluated: 2025-06-24. Review status: criteria provided, single submitter. Criteria: ACGS Best Practice Guidelines for Variant Classification in Rare Disease 2024. Collection method: clinical testing. Allele origin: germline. Affected: yes.
Comment: PS2_Str PVS1_Str PM2_Mod